The following is an entry in ClinVar:

NM_000301.5(PLG):c.2271+5G>A

Gene: PLG (plasminogen; plus strand). Cytogenetic location: 6q26.
Variant type: single nucleotide variant.
Coding change: c.2271+5G>A on transcript NM_000301.5 (MANE Select); 5 bases into the intron after coding-DNA position 2271, G replaced by A.
Molecular consequence: intron variant.
Genome position (GRCh38, 1-based): chr6:160,752,265, G>A. VCF-style: chr6-160752265-G-A. GRCh37 (hg19) VCF-style: chr6-161173297-G-A.
Identifiers: ClinVar variation 1163464 (VCV001163464.9), dbSNP rs746165731, ClinGen allele CA4088034.

ClinVar aggregate classification (germline): Uncertain significance. Review status: criteria provided, multiple submitters, no conflicts (2 of 4 stars). 2 submissions from 2 submitters: Uncertain significance (2). Last evaluated 2025-02-12.

Allele frequency attached by ClinVar (database versions not stated): ExAC 0.00004; gnomAD 0.00006; gnomAD exomes 0.00007 and 0.00014; TOPMed 0.00007.
gnomAD v4.1: 204 of 1,613,562 alleles (0.013%); highest among the groups gnomAD compares: Admixed American, 0.02%; no homozygotes.

Submissions (2):

Labcorp Genetics (formerly Invitae), Labcorp
Classification: Uncertain significance. Last evaluated: 2025-02-12. Review status: criteria provided, single submitter. Criteria: Invitae Variant Classification Sherloc (09022015). Collection method: clinical testing. Allele origin: germline.
Comment: This sequence change falls in intron 18 of the PLG gene. It does not directly change the encoded amino acid sequence of the PLG protein. It affects a nucleotide within the consensus splice site. This variant is present in population databases (rs746165731, gnomAD 0.02%). This variant has not been reported in the literature in individuals affected with PLG-related conditions. ClinVar contains an entry for this variant (Variation ID: 1163464). Variants that disrupt the consensus splice site are a relatively common cause of aberrant splicing (PMID: 17576681, 9536098). Algorithms developed to predict the effect of sequence changes on RNA splicing suggest that this variant is not likely to affect RNA splicing. In summary, the available evidence is currently insufficient to determine the role of this variant in disease. Therefore, it has been classified as a Variant of Uncertain Significance.

Mayo Clinic Laboratories, Mayo Clinic
Classification: Uncertain significance. Last evaluated: 2020-03-20. Review status: criteria provided, single submitter. Criteria: ACMG Guidelines, 2015. Collection method: clinical testing. Allele origin: germline. Observed: 1 variant allele.

Literature cited by the submitters: PubMed 17576681 (cited by Labcorp Genetics (formerly Invitae), Labcorp); PubMed 9536098 (cited by Labcorp Genetics (formerly Invitae), Labcorp).